The following is an entry in ClinVar:

ClinVar aggregate classification (germline): Pathogenic (1 of 4 stars; one submission).

Conditions:
Intellectual disability, autosomal recessive 53 (NEDHSCA). Also called: GLYCOSYLPHOSPHATIDYLINOSITOL BIOSYNTHESIS DEFECT 13; Mental retardation, autosomal recessive 53; NEURODEVELOPMENTAL DISORDER WITH OR WITHOUT HYPOTONIA, SEIZURES, AND CEREBELLAR ATROPHY. Identifiers: Orphanet 488635, MedGen C4310794, MONDO:0014832, OMIM 616917.

Submission:

Labcorp Genetics (formerly Invitae), Labcorp
Classification: Pathogenic for Intellectual disability, autosomal recessive 53. Last evaluated: 2023-08-11. Review status: criteria provided, single submitter. Criteria: Invitae Variant Classification Sherloc (09022015). Collection method: clinical testing. Allele origin: germline.
Comment: This variant has not been reported in the literature in individuals affected with PIGG-related conditions. For these reasons, this variant has been classified as Pathogenic. This variant is not present in population databases (gnomAD no frequency). This sequence change creates a premature translational stop signal (p.Lys779Asnfs*14) in the PIGG gene. It is expected to result in an absent or disrupted protein product. Loss-of-function variants in PIGG are known to be pathogenic (PMID: 26996948, 28581210, 28771251).

Literature cited by the submitters: PubMed 26996948; PubMed 28581210; PubMed 28771251.

NM_001127178.3(PIGG):c.2332del (p.Lys779fs)

Gene: PIGG (phosphatidylinositol glycan anchor biosynthesis class G (EMM blood group); plus strand). Cytogenetic location: 4p16.3.
Variant type: Deletion.
Coding change: c.2332del on transcript NM_001127178.3 (MANE Select); coding-DNA position 2332, one base deleted (C; older notation c.2332delC).
Protein change: p.Lys779fs; shifts the reading frame from lysine 779.
Molecular consequence: frameshift variant. On other transcripts: non-coding transcript variant (6).
Genome position (GRCh38, 1-based): chr4:530,506, C deleted. VCF-style (leftmost placement, unchanged base first): chr4-530505-AC-A. GRCh37 (hg19) VCF-style: chr4-524294-AC-A.
Other names: c.2065del, p.Lys690fs (NM_001289051.2, NM_001345986.2); c.1933del, p.Lys646fs (NM_001289052.2); c.2041del, p.Lys682fs (NM_001345987.2); c.1303del, p.Lys436fs (NM_001345988.2); c.799del, p.Lys268fs (NM_001345990.2, NM_001345991.2); c.1234del, p.Lys413fs (NM_001345994.2); c.2308del, p.Lys771fs (NM_017733.5); short protein forms K268fs, K646fs, K682fs, K690fs, K436fs, K413fs, K779fs, K771fs.
Identifiers: ClinVar variation 2752209 (VCV002752209.3), dbSNP rs2475050827, ClinGen allele CA2697557049.